The following is an entry in ClinVar:

ClinVar aggregate classification (germline): Likely benign. Review status: criteria provided, multiple submitters, no conflicts (2 of 4 stars). 3 submissions from 3 submitters: Likely benign (2). 1 of the submissions does not count toward it. Last evaluated 2025-09-21.

Conditions:
CREBBP-related disorder. Also called: CREBBP-related disorders; CREBBP-related condition.
Rubinstein-Taybi syndrome (RSTS). Identifiers: Orphanet 783, MedGen C0035934, MONDO:0019188.

Allele frequency attached by ClinVar (database versions not stated): gnomAD exomes 0.00001; ExAC 0.00002.
gnomAD v4.1: 14 of 1,613,896 alleles (0.00087%); highest among the groups gnomAD compares: South Asian, 0.0088%; no homozygotes.

Submissions (3):

Labcorp Genetics (formerly Invitae), Labcorp
Classification: Likely benign for Rubinstein-Taybi syndrome. Last evaluated: 2025-09-21. Review status: criteria provided, single submitter. Criteria: Invitae Variant Classification Sherloc (09022015). Collection method: clinical testing. Allele origin: germline.

Genetic Services Laboratory, University of Chicago
Classification: Likely benign. Last evaluated: 2020-03-02. Review status: criteria provided, single submitter. Criteria: ACMG Guidelines, 2015. Collection method: clinical testing. Allele origin: germline. Affected: no.

PreventionGenetics, part of Exact Sciences
Classification: Likely benign for CREBBP-related condition. Last evaluated: 2023-03-01. Review status: no assertion criteria provided. Collection method: clinical testing. Allele origin: germline. Not counted in ClinVar's aggregate classification.
Comment: This variant is classified as likely benign based on ACMG/AMP sequence variant interpretation guidelines (Richards et al. 2015 PMID: 25741868, with internal and published modifications).

NM_004380.3(CREBBP):c.825A>C (p.Pro275=)

Gene: CREBBP (CREB binding lysine acetyltransferase; minus strand). Cytogenetic location: 16p13.3.
Variant type: single nucleotide variant.
Coding change: c.825A>C on transcript NM_004380.3 (MANE Select); coding-DNA position 825, A replaced by C.
Protein change: p.Pro275=; no amino-acid change (proline 275 retained).
Molecular consequence: synonymous variant.
Genome position (GRCh38, 1-based): chr16:3,810,753, T>G on the plus strand (A>C on the coding strand, the complement: CREBBP is on the minus strand). VCF-style: chr16-3810753-T-G. GRCh37 (hg19) VCF-style: chr16-3860754-T-G.
Other names: c.825A>C, p.Pro275= (NM_001079846.1).
Identifiers: ClinVar variation 706696 (VCV000706696.14), dbSNP rs370509157, ClinGen allele CA7870575.